The following is an entry in ClinVar:

ClinVar aggregate classification (germline): Likely benign (0 of 4 stars; one submission).

Conditions:
PHIP-related disorder. Also called: PHIP-related condition; PHIP-related disorders.

Allele frequency attached by ClinVar (database versions not stated): gnomAD exomes 0.00001; ExAC 0.00003; gnomAD 0.00005; TOPMed 0.00006; 1000 Genomes Project 0.00020; 1000 Genomes Project 30x 0.00031.
gnomAD v4.1: 10 of 1,595,656 alleles (0.00063%); highest among the groups gnomAD compares: African/African-American, 0.014%; no homozygotes.

Submission:

PreventionGenetics, part of Exact Sciences
Classification: Likely benign for PHIP-related condition. Last evaluated: 2022-08-01. Review status: no assertion criteria provided. Collection method: clinical testing. Allele origin: germline.
Comment: This variant is classified as likely benign based on ACMG/AMP sequence variant interpretation guidelines (Richards et al. 2015 PMID: 25741868, with internal and published modifications).

NM_017934.7(PHIP):c.4281T>C (p.Ser1427=)

Genes: IRAK1BP1 (interleukin 1 receptor associated kinase 1 binding protein 1; plus strand), PHIP (PHIP subunit of CUL4-Ring ligase complex; minus strand). Cytogenetic location: 6q14.1.
Variant type: single nucleotide variant.
Coding change: c.4281T>C on transcript NM_017934.7 (MANE Select); coding-DNA position 4281, T replaced by C.
Protein change: p.Ser1427=; no amino-acid change (serine 1427 retained).
Molecular consequence: synonymous variant.
Genome position (GRCh38, 1-based): chr6:78,946,800, A>G on the plus strand (T>C on the coding strand, the complement: PHIP is on the minus strand). VCF-style: chr6-78946800-A-G. GRCh37 (hg19) VCF-style: chr6-79656517-A-G.
Identifiers: ClinVar variation 3029303 (VCV003029303.2), dbSNP rs548424710, ClinGen allele CA3899480.
Genomic context (GRCh38, chr6:78,946,800, plus strand): 5'-GCTTCTGTTTCTTTTCTTCCTCCTTTTGGTTATGGTATTTCTTTTATGAAAACGAAGAGC[A>G]GATTTATAATCTGATAAAACTGAACTAATGTGTTCTTCAAAGAAAGCAGACAGGCGCAAA-3'
Protein context (NP_060404.4, residues 1417-1437): HISSVLSDYK[Ser1427=]ALRFHKRNTI